The following is an entry in ClinVar:

ClinVar aggregate classification (germline): Uncertain significance (1 of 4 stars; one submission).

Submission:

Ambry Genetics
Classification: Uncertain significance. Last evaluated: 2022-09-26. Review status: criteria provided, single submitter. Criteria: Ambry Variant Classification Scheme 2023. Collection method: clinical testing. Allele origin: germline.
Comment: The p.N2068T variant (also known as c.6203A>C), located in coding exon 19 of the POLQ gene, results from an A to C substitution at nucleotide position 6203. The asparagine at codon 2068 is replaced by threonine, an amino acid with similar properties. This amino acid position is conserved. In addition, this alteration is predicted to be tolerated by in silico analysis. Since supporting evidence is limited at this time, the clinical significance of this alteration remains unclear.

NM_199420.4(POLQ):c.6203A>C (p.Asn2068Thr)

Gene: POLQ (DNA polymerase theta; minus strand). Cytogenetic location: 3q13.33.
Variant type: single nucleotide variant.
Coding change: c.6203A>C on transcript NM_199420.4 (MANE Select); coding-DNA position 6203, A replaced by C.
Protein change: p.Asn2068Thr; replaces asparagine 2068 with threonine.
Molecular consequence: missense variant.
Genome position (GRCh38, 1-based): chr3:121,481,580, T>G on the plus strand (A>C on the coding strand, the complement: POLQ is on the minus strand). VCF-style: chr3-121481580-T-G. GRCh37 (hg19) VCF-style: chr3-121200427-T-G.
Other names: short protein forms N2068T.
Identifiers: ClinVar variation 1752183 (VCV001752183.2), dbSNP rs2546780246, ClinGen allele CA354087603.